The following is an entry in ClinVar:

NM_001291303.3(FAT4):c.7787T>C (p.Leu2596Ser)

Gene: FAT4 (FAT atypical cadherin 4; plus strand). Cytogenetic location: 4q28.1.
Variant type: single nucleotide variant.
Coding change: c.7787T>C on transcript NM_001291303.3 (MANE Select); coding-DNA position 7787, T replaced by C.
Protein change: p.Leu2596Ser; replaces leucine 2596 with serine.
Molecular consequence: missense variant.
Genome position (GRCh38, 1-based): chr4:125,448,797, T>C. VCF-style: chr4-125448797-T-C. GRCh37 (hg19) VCF-style: chr4-126369952-T-C.
Other names: c.7787T>C, p.Leu2596Ser (NM_001291285.3); c.7781T>C, p.Leu2594Ser (NM_024582.6); short protein forms L2594S, L2596S.
Identifiers: ClinVar variation 380796 (VCV000380796.40), dbSNP rs111501860, ClinGen allele CA3073255.

ClinVar aggregate classification (germline): Benign/Likely benign. Review status: criteria provided, multiple submitters, no conflicts (2 of 4 stars). 7 submissions from 7 submitters: Benign (3); Likely benign (3). 1 of the submissions does not count toward it. Last evaluated 2026-04-01.

Conditions:
FAT4-related disorder. Also called: FAT4-related condition.
Inborn genetic diseases. Identifiers: MedGen C0950123, MeSH D030342.

Allele frequency attached by ClinVar (database versions not stated): gnomAD exomes 0.00031 and 0.00066; ExAC 0.00074; ESP Exome Variant Server 0.00185; 1000 Genomes Project 30x 0.00203; gnomAD 0.00205 and 0.00216; 1000 Genomes Project 0.00220; TOPMed 0.00256.
gnomAD v4.1: 797 of 1,610,362 alleles (0.049%); highest among the groups gnomAD compares: African/African-American, 0.78%; 5 homozygotes.

Submissions (7):

CeGaT Center for Human Genetics Tuebingen
Classification: Likely benign. Last evaluated: 2026-04-01. Review status: criteria provided, single submitter. Criteria: CeGaT Center For Human Genetics Tuebingen Variant Classification Criteria Version 2. Collection method: clinical testing. Allele origin: germline. Affected: yes. Observed: 3 variant alleles.
Comment: FAT4: BP4

Women's Health and Genetics/Laboratory Corporation of America, LabCorp
Classification: Likely benign. Last evaluated: 2026-03-10. Review status: criteria provided, single submitter. Criteria: LabCorp Variant Classification Summary - May 2015. Collection method: clinical testing. Allele origin: germline.
Comment: Variant summary: FAT4 c.7781T>C (p.Leu2594Ser) results in a non-conservative amino acid change in the encoded protein sequence. Algorithms developed to predict the effect of missense changes on protein structure and function are either unavailable or do not agree on the potential impact of this missense change. The variant allele was found at a frequency of 0.00066 in 245918 control chromosomes, predominantly at a frequency of 0.0082 within the African or African-American subpopulation in the gnomAD database, including 3 homozygotes. The observed variant frequency within African or African-American control individuals in the gnomAD database exceeds the estimated maximal expected allele frequency for disease-causing variants in FAT4. To our knowledge, no occurrence of c.7781T>C in individuals affected with FAT4-related conditions and no experimental evidence demonstrating its impact on protein function have been reported. ClinVar contains an entry for this variant (Variation ID: 380796). Based on the evidence outlined above, the variant was classified as likely benign.

Labcorp Genetics (formerly Invitae), Labcorp
Classification: Benign. Last evaluated: 2026-01-02. Review status: criteria provided, single submitter. Criteria: Invitae Variant Classification Sherloc (09022015). Collection method: clinical testing. Allele origin: germline.

Blueprint Genetics
Classification: Likely benign. Last evaluated: 2024-10-28. Review status: criteria provided, single submitter. Criteria: ACMG Guidelines, 2015. Collection method: clinical testing. Allele origin: germline.

Ambry Genetics
Classification: Benign for Inborn genetic diseases. Last evaluated: 2022-01-28. Review status: criteria provided, single submitter. Criteria: Ambry Variant Classification Scheme 2023. Collection method: clinical testing. Allele origin: germline.

GeneDx
Classification: Benign. Last evaluated: 2019-06-25. Review status: criteria provided, single submitter. Criteria: GeneDx Variant Classification Process June 2021. Collection method: clinical testing. Allele origin: germline. Affected: yes.

PreventionGenetics, part of Exact Sciences
Classification: Likely benign for FAT4-related condition. Last evaluated: 2020-02-07. Review status: no assertion criteria provided. Collection method: clinical testing. Allele origin: germline. Not counted in ClinVar's aggregate classification.
Comment: This variant is classified as likely benign based on ACMG/AMP sequence variant interpretation guidelines (Richards et al. 2015 PMID: 25741868, with internal and published modifications).